The following is an entry in ClinVar:

NM_000051.4(ATM):c.2376G>T (p.Lys792Asn)

Gene: ATM (ATM serine/threonine kinase; plus strand). Cytogenetic location: 11q22.3.
Variant type: single nucleotide variant.
Coding change: c.2376G>T on transcript NM_000051.4 (MANE Select); coding-DNA position 2376, G replaced by T.
Protein change: p.Lys792Asn; replaces lysine 792 with asparagine.
Molecular consequence: missense variant.
Genome position (GRCh38, 1-based): chr11:108,257,606, G>T. VCF-style: chr11-108257606-G-T. GRCh37 (hg19) VCF-style: chr11-108128333-G-T.
Other names: c.2376G>T, p.Lys792Asn (NM_001351834.2); short protein forms K792N.
Identifiers: ClinVar variation 5042083 (VCV005042083.1).

ClinVar aggregate classification (germline): Likely pathogenic (1 of 4 stars; one submission).

Conditions:
Familial cancer of breast. Also called: BREAST CANCER, FAMILIAL; Hereditary breast cancer; hereditary breast carcinoma. Identifiers: Orphanet 227535, MedGen C0346153, MONDO:0016419, OMIM 114480. Disease mechanism: loss of function.

Submission:

Myriad Genetics, Inc.
Classification: Likely pathogenic for Familial cancer of breast. Last evaluated: 2026-08-31. Review status: criteria provided, single submitter. Criteria: Myriad Autosomal Dominant, Autosomal Recessive and X-Linked Classification Criteria (2023). Collection method: clinical testing. Allele origin: unknown.
Comment: This variant is considered likely pathogenic. mRNA analysis has demonstrated abnormal mRNA splicing occurs [Myriad internal data]. This variant has been reported in multiple individuals with clinical features of gene-specific disease [PMID: 30525879, 9792409, 29489040, 34298181].

Literature cited by the submitters: PubMed 30525879; PubMed 9792409; PubMed 29489040; PubMed 34298181.